The following is an entry in ClinVar:

NM_004415.4(DSP):c.6814C>T (p.Leu2272Phe)

Gene: DSP (desmoplakin; plus strand). Cytogenetic location: 6p24.3.
Variant type: single nucleotide variant.
Coding change: c.6814C>T on transcript NM_004415.4 (MANE Select); coding-DNA position 6814, C replaced by T.
Protein change: p.Leu2272Phe; replaces leucine 2272 with phenylalanine.
Molecular consequence: missense variant.
Genome position (GRCh38, 1-based): chr6:7,584,076, C>T. VCF-style: chr6-7584076-C-T. GRCh37 (hg19) VCF-style: chr6-7584309-C-T.
Other names: c.5017C>T, p.Leu1673Phe (NM_001008844.3); c.5485C>T, p.Leu1829Phe (NM_001319034.2); short protein forms L1829F, L1673F, L2272F.
Identifiers: ClinVar variation 4055895 (VCV004055895.1).
Genomic context (GRCh38, chr6:7,584,076, plus strand): 5'-GACTTCCTCCAGGGTTCAAGCTGCATAGCAGGCATATACAATGAGACCACAAAACAGAAG[C>T]TTGGCATTTATGAGGCCATGAAAATTGGCTTAGTCCGACCTGGTACTGCTCTGGAGTTGC-3'
Protein context (NP_004406.2, residues 2262-2282): GIYNETTKQK[Leu2272Phe]GIYEAMKIGL

ClinVar aggregate classification (germline): Uncertain significance (1 of 4 stars; one submission).

Submission:

GeneDx
Classification: Uncertain significance. Last evaluated: 2024-12-29. Review status: criteria provided, single submitter. Criteria: GeneDx Variant Classification Process June 2021. Collection method: clinical testing. Allele origin: germline. Affected: yes.
Comment: Not observed at significant frequency in large population cohorts (gnomAD); In silico analysis supports that this missense variant has a deleterious effect on protein structure/function; Has not been previously published as pathogenic or benign to our knowledge